The following is an entry in ClinVar:

ClinVar aggregate classification (germline): Uncertain significance (0 of 4 stars; one submission).

Conditions:
CLPX-related disorder. Also called: CLPX-related condition.

Submission:

PreventionGenetics, part of Exact Sciences
Classification: Uncertain significance for CLPX-related condition. Last evaluated: 2024-03-28. Review status: no assertion criteria provided. Collection method: clinical testing. Allele origin: germline.
Comment: The CLPX c.1258T>C variant is predicted to result in the amino acid substitution p.Ser420Pro. To our knowledge, this variant has not been reported in the literature or in a large population database, indicating this variant is rare. At this time, the clinical significance of this variant is uncertain due to the absence of conclusive functional and genetic evidence.

NM_006660.5(CLPX):c.1258T>C (p.Ser420Pro)

Gene: CLPX (caseinolytic mitochondrial matrix peptidase chaperone subunit X; minus strand). Cytogenetic location: 15q22.31.
Variant type: single nucleotide variant.
Coding change: c.1258T>C on transcript NM_006660.5 (MANE Select); coding-DNA position 1258, T replaced by C.
Protein change: p.Ser420Pro; replaces serine 420 with proline.
Molecular consequence: missense variant. On other transcripts: non-coding transcript variant (1).
Genome position (GRCh38, 1-based): chr15:65,155,745, A>G on the plus strand (T>C on the coding strand, the complement: CLPX is on the minus strand). VCF-style: chr15-65155745-A-G. GRCh37 (hg19) VCF-style: chr15-65448083-A-G.
Other names: short protein forms S420P.
Identifiers: ClinVar variation 3349188 (VCV003349188.1).